The following is an entry in ClinVar:

NM_001854.4(COL11A1):c.3831A>C (p.Glu1277Asp)

Gene: COL11A1 (collagen type XI alpha 1 chain; minus strand). Cytogenetic location: 1p21.1.
Variant type: single nucleotide variant.
Coding change: c.3831A>C on transcript NM_001854.4 (MANE Select); coding-DNA position 3831, A replaced by C.
Protein change: p.Glu1277Asp; replaces glutamic acid 1277 with aspartic acid.
Molecular consequence: missense variant. On other transcripts: non-coding transcript variant (1).
Genome position (GRCh38, 1-based): chr1:102,914,797, T>G on the plus strand (A>C on the coding strand, the complement: COL11A1 is on the minus strand). VCF-style: chr1-102914797-T-G. GRCh37 (hg19) VCF-style: chr1-103380353-T-G.
Other names: c.3714A>C, p.Glu1238Asp (NM_001190709.2); c.3867A>C, p.Glu1289Asp (NM_080629.3); c.3483A>C, p.Glu1161Asp (NM_080630.4); short protein forms E1277D, E1289D, E1161D, E1238D.
Identifiers: ClinVar variation 430119 (VCV000430119.7), dbSNP rs780739712, ClinGen allele CA973797.

ClinVar aggregate classification (germline): Conflicting classifications of pathogenicity. Review status: criteria provided, conflicting classifications (1 of 4 stars). 2 submissions from 2 submitters: Uncertain significance (1); Likely benign (1). Last evaluated 2023-10-17.

Allele frequency attached by ClinVar (database versions not stated): gnomAD exomes below 0.00001; TOPMed below 0.00001; ExAC 0.00001; gnomAD 0.00001.
gnomAD v4.1: 3 of 1,607,464 alleles (0.00019%); highest among the groups gnomAD compares: Non-Finnish European, 0.00025%; no homozygotes.

Submissions (2):

Labcorp Genetics (formerly Invitae), Labcorp
Classification: Likely benign. Last evaluated: 2023-10-17. Review status: criteria provided, single submitter. Criteria: Invitae Variant Classification Sherloc (09022015). Collection method: clinical testing. Allele origin: germline.

GeneDx
Classification: Uncertain significance. Last evaluated: 2017-05-08. Review status: criteria provided, single submitter. Criteria: GeneDx Variant Classification (06012015). Collection method: clinical testing. Allele origin: germline. Affected: yes.
Comment: A variant of uncertain significance has been identified in the COL11A1 gene. The E1277D variant has not been published as pathogenic or been reported as benign to our knowledge. This variant is not observed at a significant frequency in large population cohorts (Lek et al., 2016; 1000 Genomes Consortium et al., 2015; Exome Variant Server). Although the E1277D variant is a conservative amino acid substitution, which is not likely to impact secondary protein structure as these residues share similar properties, it occurs at a position that is conserved across species. Additionally, in silico analysis predicts this variant is probably damaging to the protein structure/function. However, although the E1277D variant is located in the triple helical region of the COL11A1 gene it does not affect a Glycine residue in a Gly-X-Y motif, where the majority of pathogenic missense variants occur (Stenson et al., 2014).